The following is an entry in ClinVar:

NM_000540.3(RYR1):c.2719G>C (p.Val907Leu)

Gene: RYR1 (ryanodine receptor 1; plus strand). Cytogenetic location: 19q13.2.
Variant type: single nucleotide variant.
Coding change: c.2719G>C on transcript NM_000540.3 (MANE Select); coding-DNA position 2719, G replaced by C.
Protein change: p.Val907Leu; replaces valine 907 with leucine.
Molecular consequence: missense variant.
Genome position (GRCh38, 1-based): chr19:38,463,783, G>C. VCF-style: chr19-38463783-G-C. GRCh37 (hg19) VCF-style: chr19-38954423-G-C.
Other names: c.2719G>C, p.Val907Leu (NM_001042723.2); short protein forms V907L.
Identifiers: ClinVar variation 3070162 (VCV003070162.1), dbSNP rs1404260087, ClinGen allele CA405632351.

ClinVar aggregate classification (germline): Uncertain significance (1 of 4 stars; one submission).

Conditions:
Malignant hyperthermia, susceptibility to, 1 (MHS1). Also called: RYR1-Related Malignant Hyperthermia Susceptibility; Anesthesia related hyperthermia; Malignant hyperpyrexia; Fulminating hyperpyrexia; Pharmacogenic myopathy; Malignant hyperthermia suceptibility 1. Identifiers: Orphanet 423, MedGen C2930980, MONDO:0007783, OMIM 145600.

Allele frequency attached by ClinVar (database versions not stated): gnomAD exomes 0.00001.
gnomAD v4.1: 20 of 1,614,126 alleles (0.0012%); highest among the groups gnomAD compares: Non-Finnish European, 0.0016%; no homozygotes.

Submission:

All of Us Research Program, National Institutes of Health
Classification: Uncertain significance for Malignant hyperthermia, susceptibility to, 1. Last evaluated: 2023-04-03. Review status: criteria provided, single submitter. Criteria: ACMG Guidelines, 2015. Collection method: clinical testing. Allele origin: germline. Inheritance: Autosomal dominant inheritance. Observed: 1 variant allele, 1 heterozygote.
Comment: This missense variant replaces valine with leucine at codon 907 of the RYR1 protein. Computational prediction is inconclusive regarding the impact of this variant on protein structure and function (internally defined REVEL score threshold 0.5 < inconclusive < 0.7, PMID: 27666373). To our knowledge, functional studies have not been reported for this variant. This variant has not been reported in individuals affected with RYR1-related disorders in the literature. This variant has been identified in 1/251494 chromosomes in the general population by the Genome Aggregation Database (gnomAD). The available evidence is insufficient to determine the role of this variant in disease conclusively. Therefore, this variant is classified as a Variant of Uncertain Significance.

This study involves interpretation of variants in research participants for the purpose of population health screening. Participant phenotype was not available at the time of variant classification. Additional details can be found in publication PMID: 35346344, PMCID: PMC8962531